The following is an entry in ClinVar:

ClinVar aggregate classification (germline): Uncertain significance (1 of 4 stars; one submission).

Conditions:
Juvenile polyposis syndrome (JPS). Identifiers: Orphanet 2929, MedGen C0345893, MONDO:0017380, OMIM 174900.

Submission:

All of Us Research Program, National Institutes of Health
Classification: Uncertain significance for Juvenile polyposis syndrome. Last evaluated: 2023-11-30. Review status: criteria provided, single submitter. Criteria: ACMG Guidelines, 2015. Collection method: clinical testing. Allele origin: germline. Inheritance: Autosomal dominant inheritance. Observed: 1 variant allele, 1 heterozygote.
Comment: This study involves interpretation of variants in research participants for the purpose of population health screening. Participant phenotype was not available at the time of variant classification. Additional details can be found in publication PMID: 35346344, PMCID: PMC8962531

NM_004329.3(BMPR1A):c.805G>C (p.Ala269Pro)

Gene: BMPR1A (bone morphogenetic protein receptor type 1A; plus strand). Cytogenetic location: 10q23.2.
Variant type: single nucleotide variant.
Coding change: c.805G>C on transcript NM_004329.3 (MANE Select); coding-DNA position 805, G replaced by C.
Protein change: p.Ala269Pro; replaces alanine 269 with proline.
Molecular consequence: missense variant. On other transcripts: non-coding transcript variant (3).
Genome position (GRCh38, 1-based): chr10:86,917,263, G>C. VCF-style: chr10-86917263-G-C. GRCh37 (hg19) VCF-style: chr10-88677020-G-C.
Other names: c.880G>C, p.Ala294Pro (NM_001406559.1); c.853G>C, p.Ala285Pro (NM_001406560.1); c.805G>C, p.Ala269Pro (NM_001406561.1, NM_001406562.1, NM_001406563.1 and 19 more transcripts); c.799G>C, p.Ala267Pro (NM_001406583.1); c.721G>C, p.Ala241Pro (NM_001406584.1, NM_001406585.1, NM_001406586.1 and 2 more transcripts); c.463G>C, p.Ala155Pro (NM_001406589.1); short protein forms A155P, A241P, A267P, A269P, A285P, A294P.
Identifiers: ClinVar variation 3074008 (VCV003074008.1), dbSNP rs2133576894, ClinGen allele CA377458322.